The following is an entry in ClinVar:

ClinVar aggregate classification (germline): Benign/Likely benign. Review status: criteria provided, multiple submitters, no conflicts (2 of 4 stars). 2 submissions from 2 submitters: Benign (1); Likely benign (1). Last evaluated 2026-05-20.

Conditions:
Neurofibromatosis, type 1 (NF1). Also called: Neurofibromatosis, type I; NEUROFIBROMATOSIS, TYPE I, SOMATIC; Peripheral type neurofibromatosis; VON RECKLINGHAUSEN DISEASE. Identifiers: Orphanet 636, MedGen C0027831, MONDO:0018975, OMIM 162200. Disease mechanism: loss of function.

Submissions (2):

Myriad Genetics, Inc.
Classification: Benign for Neurofibromatosis, type 1. Last evaluated: 2026-05-20. Review status: criteria provided, single submitter. Criteria: Myriad Autosomal Dominant, Autosomal Recessive and X-Linked Classification Criteria (2023). Collection method: clinical testing. Allele origin: unknown.
Comment: This variant is considered benign. This variant is a silent/synonymous amino acid change and it is not expected to impact splicing.

Labcorp Genetics (formerly Invitae), Labcorp
Classification: Likely benign for Neurofibromatosis, type 1. Last evaluated: 2017-08-03. Review status: criteria provided, single submitter. Criteria: Invitae Variant Classification Sherloc (09022015). Collection method: clinical testing. Allele origin: germline.

NM_001042492.3(NF1):c.3639A>G (p.Thr1213=)

Gene: NF1 (neurofibromin 1; plus strand). Cytogenetic location: 17q11.2.
Variant type: single nucleotide variant.
Coding change: c.3639A>G on transcript NM_001042492.3 (MANE Select); coding-DNA position 3639, A replaced by G.
Protein change: p.Thr1213=; no amino-acid change (threonine 1213 retained).
Molecular consequence: synonymous variant.
Genome position (GRCh38, 1-based): chr17:31,233,144, A>G. VCF-style: chr17-31233144-A-G. GRCh37 (hg19) VCF-style: chr17-29560162-A-G.
Other names: c.3639A>G, p.Thr1213= (NM_000267.4).
Identifiers: ClinVar variation 527607 (VCV000527607.8), dbSNP rs1555615069, ClinGen allele CA499443803.